The following continues an entry in ClinVar:

NM_000059.4(BRCA2):c.3807T>C (p.Val1269=)

Gene: BRCA2. ClinVar aggregate classification (germline): Benign. Benign (1). ClinVar aggregate classification (somatic clinical impact): Tier IV - Benign/Likely benign.

Submissions 22 to 33 of 33:

Women's Health and Genetics/Laboratory Corporation of America, LabCorp
Classification: Benign for Hereditary breast ovarian cancer syndrome. Last evaluated: 2013-12-20. Review status: criteria provided, single submitter. Criteria: LabCorp Variant Classification Summary - May 2015. Collection method: clinical testing. Allele origin: germline. Not counted in ClinVar's aggregate classification.

Breakthrough Genomics
Classification: Benign. Review status: criteria provided, single submitter. Criteria: ACMG Guidelines, 2015. Collection method: not provided. Allele origin: germline. Inheritance: Autosomal recessive inheritance. Affected: yes. Not counted in ClinVar's aggregate classification.

PreventionGenetics, part of Exact Sciences
Classification: Benign. Review status: criteria provided, single submitter. Criteria: ACMG Guidelines, 2015. Collection method: clinical testing. Allele origin: germline. Not counted in ClinVar's aggregate classification.

Mayo Clinic Laboratories, Mayo Clinic
Classification: Benign. Last evaluated: 2016-11-28. Review status: no assertion criteria provided. Collection method: clinical testing. Allele origin: unknown. Not counted in ClinVar's aggregate classification.

Counsyl
Classification: Benign for Breast-ovarian cancer, familial 2. Last evaluated: 2014-01-02. Review status: no assertion criteria provided. Collection method: literature only. Allele origin: unknown. Inheritance: Autosomal dominant inheritance. Not counted in ClinVar's aggregate classification.
Comment: High frequency in a 1kG or ESP population: 18.7 %. This submission and the accompanying classification are no longer maintained by the submitter.

Sharing Clinical Reports Project (SCRP)
Classification: Benign for Breast-ovarian cancer, familial 2. Last evaluated: 2011-03-17. Review status: no assertion criteria provided. Collection method: clinical testing. Allele origin: germline. Not counted in ClinVar's aggregate classification.

Breast Cancer Information Core (BIC) (BRCA2)
Classification: Benign for Breast-ovarian cancer, familial 2. Last evaluated: 1999-04-12. Review status: no assertion criteria provided. Collection method: clinical testing. Allele origin: germline. Affected: yes. Observed: 166 variant alleles. Not counted in ClinVar's aggregate classification.

Clinical Genetics Laboratory, Department of Pathology, Netherlands Cancer Institute
Classification: Benign. Review status: no assertion criteria provided. Collection method: clinical testing. Allele origin: germline. Affected: yes. Study: VKGL Data-share Consensus. Not counted in ClinVar's aggregate classification.

Department of Pathology and Laboratory Medicine, Sinai Health System
Classification: Benign. Review status: no assertion criteria provided. Collection method: clinical testing. Allele origin: unknown. Affected: yes. Study: The Canadian Open Genetics Repository (COGR). Not counted in ClinVar's aggregate classification.

Diagnostic Laboratory, Department of Genetics, University Medical Center Groningen
Classification: Benign for Breast-ovarian cancer, familial, susceptibility to, 2. Review status: no assertion criteria provided. Collection method: clinical testing. Allele origin: germline. Affected: yes. Study: VKGL Data-share Consensus. Not counted in ClinVar's aggregate classification.

Faculté Pluridciplinaire Nador, Université Mohamed Premier
Classification: Tier IV - Benign/Likely benign for Familial cancer of breast. Review status: no assertion criteria provided. Collection method: research. Allele origin: somatic. Affected: yes.
Comment: The following databases and algorithms are used to annotate and evaluate the impact of the variant in the context of human disease: 1000 genomes, gnomAD, ClinVar, OMIM, dbSNP, NCIB RefSeq Genes, ExAC Gene Constraints, VS-SIFT, VS-PolyPhen2, PhyloP, GERP++, GeneSplicer, MaxEntScan, NNSplice, PWM Splice Predictor.

Joint Genome Diagnostic Labs from Nijmegen and Maastricht, Radboudumc and MUMC+
Classification: Benign. Review status: no assertion criteria provided. Collection method: clinical testing. Allele origin: germline. Affected: yes. Study: VKGL Data-share Consensus. Not counted in ClinVar's aggregate classification.

Literature cited by the submitters: DOI 10.3389/fgene.2022.834265 (cited by National Health Laboratory Service, Universitas Academic Hospital and University of the Free State); PubMed 36329109 (cited by Genetics Program, Instituto Nacional de Cancer); PubMed 20104584 (cited by Women's Health and Genetics/Laboratory Corporation of America, LabCorp); PubMed 12474142 (cited by Women's Health and Genetics/Laboratory Corporation of America, LabCorp); PubMed 18431501 (cited by Women's Health and Genetics/Laboratory Corporation of America, LabCorp).